The following is an entry in ClinVar:

ClinVar aggregate classification (germline): Uncertain significance. Review status: criteria provided, multiple submitters, no conflicts (2 of 4 stars). 3 submissions from 3 submitters: Uncertain significance (3). Last evaluated 2025-08-24.

Conditions:
Inborn genetic diseases. Identifiers: MedGen C0950123, MeSH D030342.
CLDN1-related disorder. Also called: CLDN1-related condition.

Allele frequency attached by ClinVar (database versions not stated): TOPMed 0.00004; ExAC 0.00006; gnomAD 0.00006 and 0.00011; 1000 Genomes Project 30x 0.00125; 1000 Genomes Project 0.00140; gnomAD exomes 0.00002 and 0.00004.
gnomAD v4.1: 44 of 1,614,120 alleles (0.0027%); highest among the groups gnomAD compares: Admixed American, 0.063%; no homozygotes.

Submissions (3):

Ambry Genetics
Classification: Uncertain significance for Inborn genetic diseases. Last evaluated: 2025-08-24. Review status: criteria provided, single submitter. Criteria: Ambry Variant Classification Scheme 2023. Collection method: clinical testing. Allele origin: germline.

PreventionGenetics, part of Exact Sciences
Classification: Uncertain significance for CLDN1-related condition. Last evaluated: 2025-02-11. Review status: criteria provided, single submitter. Criteria: ACMG Guidelines, 2015. Collection method: clinical testing. Allele origin: germline.
Comment: The CLDN1 c.382C>T variant is predicted to result in the amino acid substitution p.Leu128Phe. To our knowledge, this variant has not been reported in the literature. This variant is reported in 0.025% of alleles in individuals of Latino descent in gnomAD. At this time, the clinical significance of this variant is uncertain due to the absence of conclusive functional and genetic evidence.

Eurofins Ntd Llc (ga)
Classification: Uncertain significance. Last evaluated: 2017-10-30. Review status: criteria provided, single submitter. Criteria: EGL Classification Definitions 2015. Collection method: clinical testing. Allele origin: germline. Observed: 3 variant alleles, 3 heterozygotes.

NM_021101.5(CLDN1):c.382C>T (p.Leu128Phe)

Genes: CLDN1 (claudin 1; minus strand), CLDN16 (claudin 16; plus strand). Cytogenetic location: 3q28.
Variant type: single nucleotide variant.
Coding change: c.382C>T on transcript NM_021101.5 (MANE Select); coding-DNA position 382, C replaced by T.
Protein change: p.Leu128Phe; replaces leucine 128 with phenylalanine.
Molecular consequence: missense variant.
Genome position (GRCh38, 1-based): chr3:190,312,878, G>A on the plus strand (C>T on the coding strand, the complement: CLDN1 is on the minus strand). VCF-style: chr3-190312878-G-A. GRCh37 (hg19) VCF-style: chr3-190030667-G-A.
Other names: c.382C>T (NM_021101.4); short protein forms L128F.
Identifiers: ClinVar variation 594765 (VCV000594765.7), dbSNP rs184529311, ClinGen allele CA2753567.